The following is an entry in ClinVar:

NM_021619.3(PRDM12):c.476G>A (p.Ser159Asn)

Gene: PRDM12 (PR/SET domain 12; plus strand). Cytogenetic location: 9q34.12.
Variant type: single nucleotide variant.
Coding change: c.476G>A on transcript NM_021619.3 (MANE Select); coding-DNA position 476, G replaced by A.
Protein change: p.Ser159Asn; replaces serine 159 with asparagine.
Molecular consequence: missense variant.
Genome position (GRCh38, 1-based): chr9:130,668,219, G>A. VCF-style: chr9-130668219-G-A. GRCh37 (hg19) VCF-style: chr9-133543606-G-A.
Other names: short protein forms S159N.
Identifiers: ClinVar variation 1941366 (VCV001941366.5), dbSNP rs936828567, ClinGen allele CA200650093.
Genomic context (GRCh38, chr9:130,668,219, plus strand): 5'-TGTTCAATGAGGATGGCACGGTGCGCTACTTCATCGATGCCAGCCAGGAGGACCACCGGA[G>A]CTGGATGACCTACATCAAGTGTGCACGTAACGAACAGGAGCAGAACCTGGAGGTGGTCCA-3'
Protein context (NP_067632.2, residues 149-169): FIDASQEDHR[Ser159Asn]WMTYIKCARN

ClinVar aggregate classification (germline): Uncertain significance (1 of 4 stars; one submission).

Conditions:
Congenital insensitivity to pain-hypohidrosis syndrome. Also called: HSAN VIII; Neuropathy, hereditary sensory and autonomic, type VIII. Identifiers: Orphanet 478664, MedGen C4225308, MONDO:0014662, OMIM 616488.

Allele frequency attached by ClinVar (database versions not stated): gnomAD exomes below 0.00001; TOPMed below 0.00001.
gnomAD v4.1: 2 of 1,614,242 alleles (0.00012%); highest among the groups gnomAD compares: Non-Finnish European, 0.000085%; no homozygotes.

Submission:

Labcorp Genetics (formerly Invitae), Labcorp
Classification: Uncertain significance for Congenital insensitivity to pain-hypohidrosis syndrome. Last evaluated: 2021-12-21. Review status: criteria provided, single submitter. Criteria: Invitae Variant Classification Sherloc (09022015). Collection method: clinical testing. Allele origin: germline.
Comment: In summary, the available evidence is currently insufficient to determine the role of this variant in disease. Therefore, it has been classified as a Variant of Uncertain Significance. Algorithms developed to predict the effect of missense changes on protein structure and function are either unavailable or do not agree on the potential impact of this missense change (SIFT: "Deleterious"; PolyPhen-2: "Benign"; Align-GVGD: "Class C0"). This variant has not been reported in the literature in individuals affected with PRDM12-related conditions. This variant is not present in population databases (gnomAD no frequency). This sequence change replaces serine, which is neutral and polar, with asparagine, which is neutral and polar, at codon 159 of the PRDM12 protein (p.Ser159Asn).